The following is an entry in ClinVar:

ClinVar aggregate classification (germline): Uncertain significance (1 of 4 stars; one submission).

Conditions:
De Lange syndrome (CDLS). Also called: Cornelia de Lange syndrome; CDL. Identifiers: Orphanet 199, MedGen C0270972, MONDO:0016033.

Allele frequency attached by ClinVar (database versions not stated): gnomAD 0.00001.

Submission:

Victorian Clinical Genetics Services, Murdoch Childrens Research Institute
Classification: Uncertain significance for De Lange syndrome. Last evaluated: 2022-06-24. Review status: criteria provided, single submitter. Criteria: ACMG Guidelines, 2015. Collection method: clinical testing. Allele origin: germline. Inheritance: Autosomal dominant inheritance.
Comment: Based on the classification scheme VCGS_Germline_v1.3.4, this variant is classified as VUS-3B. Following criteria are met: 0102 - Loss of function is a known mechanism of disease in this gene and is associated with Cornelia de Lange syndrome (MONDO:0016033) (PMID: 34035299). (I) 0107 - This gene is associated with autosomal dominant disease. (I) 0200 - Variant is predicted to result in a missense amino acid change from serine to threonine. (I) 0251 - This variant is heterozygous. (I) 0302 - Variant is present in gnomAD (v2) <0.001 for a dominant condition (1 heterozygote, 0 homozygotes). (SP) 0309 - An alternative amino acid change at the same position has been observed in gnomAD (v2) (2 heterozygotes, 0 homozygotes). (I) 0502 - Missense variant with conflicting in silico predictions and uninformative conservation. (I) 0604 - Variant is not located in an established domain, motif, hotspot or informative constraint region. (I) 0705 - No comparable missense variants have previous evidence for pathogenicity. (I) 0807 - This variant has no previous evidence of pathogenicity. (I) 0905 - No published segregation evidence has been identified for this variant. (I) 1007 - No published functional evidence has been identified for this variant. (I) 1208 - Inheritance information for this variant is not currently available in this individual. (I) Legend: (SP) - Supporting pathogenic, (I) - Information, (SB) - Supporting benign

Literature cited by the submitters: PubMed 34035299.

NM_001379291.1(BRD4):c.1507T>A (p.Ser503Thr)

Gene: BRD4 (bromodomain containing 4; minus strand). Cytogenetic location: 19p13.12.
Variant type: single nucleotide variant.
Coding change: c.1507T>A on transcript NM_001379291.1 (MANE Select); coding-DNA position 1507, T replaced by A.
Protein change: p.Ser503Thr; replaces serine 503 with threonine.
Molecular consequence: missense variant.
Genome position (GRCh38, 1-based): chr19:15,257,008, A>T on the plus strand (T>A on the coding strand, the complement: BRD4 is on the minus strand). VCF-style: chr19-15257008-A-T. GRCh37 (hg19) VCF-style: chr19-15367819-A-T.
Other names: c.1507T>A, p.Ser503Thr (NM_001330384.2, NM_001379292.1, NM_014299.3 and 1 more transcripts); short protein forms S503T.
Identifiers: ClinVar variation 1699222 (VCV001699222.3), dbSNP rs1279388211, ClinGen allele CA404522563.
Genomic context (GRCh38, chr19:15,257,008, plus strand): 5'-CCACCAATGCCCTCACCTGCTCCTGGAGCTCAGCCAGCCGCTGGGCTCGCTCCTCCTCAG[A>T]GTCATCAGTCGAACTGTCACTGTCCGAGGAGCTATCGCTGCTGCTGTCGCTGGATGAGGG-3'
Protein context (NP_001366220.1, residues 493-513): SSDSDSSTDD[Ser503Thr]EEERAQRLAE